The following is an entry in ClinVar:

ClinVar aggregate classification (germline): Likely benign (1 of 4 stars; one submission).

Allele frequency attached by ClinVar (database versions not stated): ESP Exome Variant Server 0.00015; gnomAD 0.00015; gnomAD exomes 0.00015; ExAC 0.00018; TOPMed 0.00021; 1000 Genomes Project 0.00060; 1000 Genomes Project 30x 0.00062.
gnomAD v4.1: 250 of 1,613,500 alleles (0.015%); highest among the groups gnomAD compares: Middle Eastern, 0.12%; no homozygotes.

Submission:

CeGaT Center for Human Genetics Tuebingen
Classification: Likely benign. Last evaluated: 2022-07-01. Review status: criteria provided, single submitter. Criteria: CeGaT Center For Human Genetics Tuebingen Variant Classification Criteria Version 2. Collection method: clinical testing. Allele origin: germline. Affected: yes. Observed: 1 variant allele.
Comment: STARD13: BP4, BP7

NM_178006.4(STARD13):c.750G>A (p.Lys250=)

Gene: STARD13 (StAR related lipid transfer domain containing 13; minus strand). Cytogenetic location: 13q13.1.
Variant type: single nucleotide variant.
Coding change: c.750G>A on transcript NM_178006.4 (MANE Select); coding-DNA position 750, G replaced by A.
Protein change: p.Lys250=; no amino-acid change (lysine 250 retained).
Molecular consequence: synonymous variant.
Genome position (GRCh38, 1-based): chr13:33,129,927, C>T on the plus strand (G>A on the coding strand, the complement: STARD13 is on the minus strand). VCF-style: chr13-33129927-C-T. GRCh37 (hg19) VCF-style: chr13-33704064-C-T.
Other names: c.726G>A, p.Lys242= (NM_001243466.2, NM_178007.3); c.396G>A, p.Lys132= (NM_001243474.2, NM_052851.3); c.645G>A, p.Lys215= (NM_001243476.3); c.705G>A, p.Lys235= (NM_001411014.1).
Identifiers: ClinVar variation 2643736 (VCV002643736.24), dbSNP rs148927890, ClinGen allele CA6945179.